The following is an entry in ClinVar:

ClinVar aggregate classification (germline): Conflicting classifications of pathogenicity. Review status: criteria provided, conflicting classifications (1 of 4 stars). 8 submissions from 7 submitters: Uncertain significance (2); Benign (1); Likely benign (5). Last evaluated 2026-02-01.

Conditions:
Inborn genetic diseases. Identifiers: MedGen C0950123, MeSH D030342.
Autosomal recessive ataxia, Beauce type. Also called: SYNE1 Deficiency; Spinocerebellar ataxia, autosomal recessive 8; SYNE1-Related Autosomal Recessive Cerebellar Ataxia; ATAXIA, RECESSIVE, OF BEAUCE. Identifiers: Orphanet 88644, MedGen C1853116, MONDO:0012549, OMIM 610743.
Emery-Dreifuss muscular dystrophy 4, autosomal dominant (EDMD4). Also called: EMERY-DREIFUSS MUSCULAR DYSTROPHY 4 WITH VARIABLE FEATURES. Identifiers: Orphanet 261, MedGen C2751807, MONDO:0013071, OMIM 612998.

Allele frequency attached by ClinVar (database versions not stated): ESP Exome Variant Server 0.00008; TOPMed 0.00018; gnomAD 0.00021 and 0.00023; ExAC 0.00024; gnomAD exomes 0.00025 and 0.00031.
gnomAD v4.1: 424 of 1,614,124 alleles (0.026%); highest among the groups gnomAD compares: Middle Eastern, 0.066%; no homozygotes.

Submissions (8):

Labcorp Genetics (formerly Invitae), Labcorp
Classification: Likely benign for Emery-Dreifuss muscular dystrophy 4, autosomal dominant; Autosomal recessive ataxia, Beauce type. Last evaluated: 2026-02-01. Review status: criteria provided, single submitter. Criteria: Invitae Variant Classification Sherloc (09022015). Collection method: clinical testing. Allele origin: germline.

Mayo Clinic Laboratories, Mayo Clinic
Classification: Likely benign. Last evaluated: 2025-08-06. Review status: criteria provided, single submitter. Criteria: ACMG Guidelines, 2015. Collection method: clinical testing. Allele origin: germline. Observed: 1 variant allele.
Comment: BS1, BP4_moderate

Revvity Omics, Revvity
Classification: Likely benign. Last evaluated: 2023-05-15. Review status: criteria provided, single submitter. Criteria: ACMG Guidelines, 2015. Collection method: clinical testing. Allele origin: germline.

Ambry Genetics
Classification: Uncertain significance for Inborn genetic diseases. Last evaluated: 2021-09-01. Review status: criteria provided, single submitter. Criteria: Ambry Variant Classification Scheme 2023. Collection method: clinical testing. Allele origin: germline.

GeneDx
Classification: Likely benign. Last evaluated: 2019-07-24. Review status: criteria provided, single submitter. Criteria: GeneDx Variant Classification Process June 2021. Collection method: clinical testing. Allele origin: germline. Affected: yes.

Illumina Laboratory Services, Illumina
Classification: Uncertain significance for Autosomal recessive ataxia, Beauce type. Last evaluated: 2018-01-12. Review status: criteria provided, single submitter. Criteria: ICSL Variant Classification Criteria 13 December 2019. Collection method: clinical testing. Allele origin: germline.

Illumina Laboratory Services, Illumina
Classification: Benign for Emery-Dreifuss muscular dystrophy 4, autosomal dominant. Last evaluated: 2018-01-12. Review status: criteria provided, single submitter. Criteria: ICSL Variant Classification Criteria 13 December 2019. Collection method: clinical testing. Allele origin: germline.
Comment: This variant was observed in the ICSL laboratory as part of a predisposition screen in an ostensibly healthy population. It had not been previously curated by ICSL or reported in the Human Gene Mutation Database (HGMD: prior to June 1st, 2018), and was therefore a candidate for classification through an automated scoring system. Utilizing variant allele frequency, disease prevalence and penetrance estimates, and inheritance mode, an automated score was calculated to assess if this variant is too frequent to cause the disease. Based on the score and internal cut-off values, a variant classified as benign is not then subjected to further curation. The score for this variant resulted in a classification of benign for this disease.

Eurofins Ntd Llc (ga)
Classification: Likely benign. Last evaluated: 2017-03-07. Review status: criteria provided, single submitter. Criteria: EGL Classification Definitions 2015. Collection method: clinical testing. Allele origin: germline. Observed: 4 variant alleles, 4 heterozygotes.

NM_182961.4(SYNE1):c.5129C>A (p.Ala1710Asp)

Gene: SYNE1 (spectrin repeat containing nuclear envelope protein 1; minus strand). Cytogenetic location: 6q25.2.
Variant type: single nucleotide variant.
Coding change: c.5129C>A on transcript NM_182961.4 (MANE Select); coding-DNA position 5129, C replaced by A.
Protein change: p.Ala1710Asp; replaces alanine 1710 with aspartic acid.
Molecular consequence: missense variant.
Genome position (GRCh38, 1-based): chr6:152,425,519, G>T on the plus strand (C>A on the coding strand, the complement: SYNE1 is on the minus strand). VCF-style: chr6-152425519-G-T. GRCh37 (hg19) VCF-style: chr6-152746654-G-T.
Other names: p.Ala1717Asp; c.5150C>A, p.Ala1717Asp (NM_033071.5); short protein forms A1710D, A1717D.
Identifiers: ClinVar variation 197086 (VCV000197086.24), dbSNP rs150702500, ClinGen allele CA245026.
Genomic context (GRCh38, chr6:152,425,519, plus strand): 5'-TCTTTGGAGGCTACTGAGAACAATGATTCCTTCAATTGCAAAAGTTTGCTATAGAATGAG[G>T]CCTGGGATACAACTTCATTTTGCAGTGCCTGAAAAATACAAGACATTACGGATCTCATCC-3'
Protein context (NP_892006.3, residues 1700-1720): QALQNEVVSQ[Ala1710Asp]SFYSKLLQLK